The following is an entry in ClinVar:

NM_001352027.3(PHF21A):c.1608+3A>G

Gene: PHF21A (PHD finger protein 21A; minus strand). Cytogenetic location: 11p11.2.
Variant type: single nucleotide variant.
Coding change: c.1608+3A>G on transcript NM_001352027.3 (MANE Select); 3 bases into the intron after coding-DNA position 1608, A replaced by G.
Molecular consequence: intron variant.
Genome position (GRCh38, 1-based): chr11:45,938,154, T>C on the plus strand (A>G on the coding strand, the complement: PHF21A is on the minus strand). VCF-style: chr11-45938154-T-C. GRCh37 (hg19) VCF-style: chr11-45959705-T-C.
Other names: c.1464+3A>G (NM_001352030.3, NM_001352031.3, NM_001352032.3); c.1605+3A>G (NM_001101802.3); c.1608+3A>G (NM_001352026.3, NM_001352025.3); c.1467+3A>G (NM_016621.5, NM_001352028.1, NM_001352029.1).
Identifiers: ClinVar variation 3365133 (VCV003365133.1).
Genomic context (GRCh38, chr11:45,938,154, plus strand): 5'-TCCTCCTGATGGCCGTGTCTTTGTCCTCCTCGGCCCCTCCCCTGTTGGACCCACCCACAG[T>C]ACCTGGTCCTGACATCTGGGACAGATCCACATGCCCTTGGGAATTGTTTTCAGAGGGGGG-3'

ClinVar aggregate classification (germline): Uncertain significance (1 of 4 stars; one submission).

gnomAD v4.1: 1 of 1,583,776 alleles (0.000063%); highest among the groups gnomAD compares: Non-Finnish European, 0.000086%; no homozygotes.

Submission:

GeneDx
Classification: Uncertain significance. Last evaluated: 2023-12-01. Review status: criteria provided, single submitter. Criteria: GeneDx Variant Classification Process June 2021. Collection method: clinical testing. Allele origin: germline. Affected: yes.
Comment: Not observed at significant frequency in large population cohorts (gnomAD); In silico analysis supports a deleterious effect on splicing; Has not been previously published as pathogenic or benign to our knowledge